The following is an entry in ClinVar:

ClinVar aggregate classification (germline): Uncertain significance (1 of 4 stars; one submission).

Conditions:
Inborn genetic diseases. Identifiers: MedGen C0950123, MeSH D030342.

gnomAD v4.1: 1 of 1,614,178 alleles (0.000062%); highest among the groups gnomAD compares: Non-Finnish European, 0.000085%; no homozygotes.

Submission:

Ambry Genetics
Classification: Uncertain significance for Inborn genetic diseases. Last evaluated: 2025-11-08. Review status: criteria provided, single submitter. Criteria: Ambry Variant Classification Scheme 2023. Collection method: clinical testing. Allele origin: germline.
Comment: The c.4829C>A (p.A1610D) alteration is located in exon 51 (coding exon 51) of the COL4A3 gene. This alteration results from a C to A substitution at nucleotide position 4829, causing the alanine (A) at amino acid position 1610 to be replaced by an aspartic acid (D). Based on data from gnomAD, the A allele has an overall frequency of <0.001% (1/249428) total alleles studied. The highest observed frequency was 0.001% (1/113164) of European (non-Finnish) alleles. Based on insufficient or conflicting evidence, the clinical significance of this alteration remains unclear.

NM_000091.5(COL4A3):c.4829C>A (p.Ala1610Asp)

Genes: COL4A3 (collagen type IV alpha 3 chain; plus strand), MFF-DT (MFF divergent transcript; minus strand). Cytogenetic location: 2q36.3.
Variant type: single nucleotide variant.
Coding change: c.4829C>A on transcript NM_000091.5 (MANE Select); coding-DNA position 4829, C replaced by A.
Protein change: p.Ala1610Asp; replaces alanine 1610 with aspartic acid.
Molecular consequence: missense variant.
Genome position (GRCh38, 1-based): chr2:227,310,849, C>A. VCF-style: chr2-227310849-C-A. GRCh37 (hg19) VCF-style: chr2-228175565-C-A.
Other names: short protein forms A1610D.
Identifiers: ClinVar variation 4616262 (VCV004616262.1).